The following is an entry in ClinVar:

NM_001035.3(RYR2):c.7312A>G (p.Ile2438Val)

Gene: RYR2 (ryanodine receptor 2; plus strand). Cytogenetic location: 1q43.
Variant type: single nucleotide variant.
Coding change: c.7312A>G on transcript NM_001035.3 (MANE Select); coding-DNA position 7312, A replaced by G.
Protein change: p.Ile2438Val; replaces isoleucine 2438 with valine.
Molecular consequence: missense variant.
Genome position (GRCh38, 1-based): chr1:237,643,417, A>G. VCF-style: chr1-237643417-A-G. GRCh37 (hg19) VCF-style: chr1-237806717-A-G.
Other names: c.7312A>G, p.Ile2438Val (LRG_402t1); short protein forms I2438V.
Identifiers: ClinVar variation 463633 (VCV000463633.10), dbSNP rs755072769, ClinGen allele CA345397038.

ClinVar aggregate classification (germline): Uncertain significance (1 of 4 stars; one submission).

Conditions:
Catecholaminergic polymorphic ventricular tachycardia 1. Also called: VENTRICULAR TACHYCARDIA, STRESS-INDUCED POLYMORPHIC 1; VENTRICULAR TACHYCARDIA, CATECHOLAMINERGIC POLYMORPHIC, 1, WITH OR WITHOUT ATRIAL DYSFUNCTION AND/OR DILATED CARDIOMYOPATHY; RYR2-Related Catecholaminergic Polymorphic Ventricular Tachycardia. Identifiers: Orphanet 3286, MedGen C1631597, MONDO:0011484, OMIM 604772.

Allele frequency attached by ClinVar (database versions not stated): gnomAD exomes below 0.00001; TOPMed below 0.00001.
gnomAD v4.1: 6 of 1,613,940 alleles (0.00037%); highest among the groups gnomAD compares: South Asian, 0.0011%; no homozygotes.

Submission:

Labcorp Genetics (formerly Invitae), Labcorp
Classification: Uncertain significance for Catecholaminergic polymorphic ventricular tachycardia 1. Last evaluated: 2024-06-09. Review status: criteria provided, single submitter. Criteria: Invitae Variant Classification Sherloc (09022015). Collection method: clinical testing. Allele origin: germline.
Comment: This sequence change replaces isoleucine, which is neutral and non-polar, with valine, which is neutral and non-polar, at codon 2438 of the RYR2 protein (p.Ile2438Val). This variant is not present in population databases (gnomAD no frequency). This variant has not been reported in the literature in individuals affected with RYR2-related conditions. ClinVar contains an entry for this variant (Variation ID: 463633). Advanced modeling of protein sequence and biophysical properties (such as structural, functional, and spatial information, amino acid conservation, physicochemical variation, residue mobility, and thermodynamic stability) has been performed at Invitae for this missense variant, however the output from this modeling did not meet the statistical confidence thresholds required to predict the impact of this variant on RYR2 protein function. In summary, the available evidence is currently insufficient to determine the role of this variant in disease. Therefore, it has been classified as a Variant of Uncertain Significance.